The following is an entry in ClinVar:

NM_001042492.3(NF1):c.1854_1857del (p.Asp618fs)

Gene: NF1 (neurofibromin 1; plus strand). Cytogenetic location: 17q11.2.
Variant type: Deletion.
Coding change: c.1854_1857del on transcript NM_001042492.3 (MANE Select); coding-DNA positions 1854 to 1857, 4 bases deleted (TAGA; older notation c.1854_1857delTAGA).
Protein change: p.Asp618fs; shifts the reading frame from aspartic acid 618.
Molecular consequence: frameshift variant.
Genome position (GRCh38, 1-based): chr17:31,225,103-31,225,106, TAGA deleted; deleting any 4 consecutive bases within chr17:31,225,100-31,225,106 gives the same sequence; the c. name uses the placement nearest the transcript's 3' end. VCF-style (leftmost placement, unchanged base first): chr17-31225099-CAGAT-C. GRCh37 (hg19) VCF-style: chr17-29552117-CAGAT-C.
Other names: c.1854_1857delTAGA, p.Asp618Glufs (NM_000267.4); short protein forms D618fs.
Identifiers: ClinVar variation 951548 (VCV000951548.8), dbSNP rs2066989481, ClinGen allele CA658761058.

ClinVar aggregate classification (germline): Pathogenic. Review status: criteria provided, multiple submitters, no conflicts (2 of 4 stars). 2 submissions from 2 submitters: Pathogenic (2). Last evaluated 2025-02-23.

Conditions:
Neurofibromatosis, type 1 (NF1). Also called: VON RECKLINGHAUSEN DISEASE; NEUROFIBROMATOSIS, TYPE I, SOMATIC; Peripheral type neurofibromatosis; Neurofibromatosis, type I. Identifiers: Orphanet 636, MedGen C0027831, MONDO:0018975, OMIM 162200. Disease mechanism: loss of function.

Submissions (2):

GeneDx
Classification: Pathogenic. Last evaluated: 2025-02-23. Review status: criteria provided, single submitter. Criteria: GeneDx Variant Classification Process June 2021. Collection method: clinical testing. Allele origin: germline. Affected: yes.
Comment: Identified in patients with clinical features of NF1 referred for genetic testing at GeneDx and in published literature (PMID: 23913538, 27838393); Not observed at significant frequency in large population cohorts (gnomAD); Frameshift variant predicted to result in protein truncation or nonsense mediated decay in a gene for which loss of function is a known mechanism of disease; Also known as c.1851_1854del4; This variant is associated with the following publications: (PMID: 23913538, 27838393)

Labcorp Genetics (formerly Invitae), Labcorp
Classification: Pathogenic for Neurofibromatosis, type 1. Last evaluated: 2023-09-20. Review status: criteria provided, single submitter. Criteria: Invitae Variant Classification Sherloc (09022015). Collection method: clinical testing. Allele origin: germline.
Comment: This sequence change creates a premature translational stop signal (p.Asp618Glufs*12) in the NF1 gene. It is expected to result in an absent or disrupted protein product. Loss-of-function variants in NF1 are known to be pathogenic (PMID: 10712197, 23913538). This variant is not present in population databases (gnomAD no frequency). This premature translational stop signal has been observed in individual(s) with clinical features of neurofibromatosis type 1 (PMID: 23913538, 27838393). This variant is also known as c.1851_1854del4 (p.Asp618fs). ClinVar contains an entry for this variant (Variation ID: 951548). For these reasons, this variant has been classified as Pathogenic.

Literature cited by the submitters: PubMed 10712197 (cited by Labcorp Genetics (formerly Invitae), Labcorp); PubMed 23913538 (cited by Labcorp Genetics (formerly Invitae), Labcorp); PubMed 27838393 (cited by Labcorp Genetics (formerly Invitae), Labcorp).